The following is an entry in ClinVar:

NM_001199397.3(NEK1):c.2975-2A>G

Gene: NEK1 (NIMA related kinase 1; minus strand). Cytogenetic location: 4q33.
Variant type: single nucleotide variant.
Coding change: c.2975-2A>G on transcript NM_001199397.3 (MANE Select); the canonical splice acceptor site of the intron before coding-DNA position 2975, A replaced by G.
Molecular consequence: splice acceptor variant.
Genome position (GRCh38, 1-based): chr4:169,424,802, T>C on the plus strand (A>G on the coding strand, the complement: NEK1 is on the minus strand). VCF-style: chr4-169424802-T-C. GRCh37 (hg19) VCF-style: chr4-170345953-T-C.
Other names: c.2138-2A>G (NM_001440625.1); c.2270-2A>G (NM_001440624.1); c.2492-2A>G (NM_001374421.1); c.2840-2A>G (NM_001374420.1); c.2684-2A>G (NM_001199399.3); c.2582-2A>G (NM_001440623.1); c.2666-2A>G (NM_001440622.1); c.2843-2A>G (NM_001199398.3); and 5 more.
Identifiers: ClinVar variation 4759225 (VCV004759225.1).

ClinVar aggregate classification (germline): Likely pathogenic (1 of 4 stars; one submission).

Conditions:
Short-rib thoracic dysplasia 6 with or without polydactyly (SRTD6). Also called: SHORT-RIB THORACIC DYSPLASIA 6 WITH POLYDACTYLY; SHORT-RIB THORACIC DYSPLASIA 6 WITHOUT POLYDACTYLY; POLYDACTYLY WITH NEONATAL CHONDRODYSTROPHY, TYPE II; Majewski Syndrome; SHORT RIB-POLYDACTYLY SYNDROME, TYPE IIA. Identifiers: MedGen C0024507, MONDO:0009894, OMIM 263520.

Submission:

Variantyx, Inc.
Classification: Likely pathogenic for Short-rib thoracic dysplasia 6 with or without polydactyly. Last evaluated: 2025-03-06. Review status: criteria provided, single submitter. Criteria: Variantyx Assertion Criteria 2022. Collection method: clinical testing. Allele origin: paternal.
Comment: This is a canonical splicing variant in the NEK1 gene (OMIM: 604588). Pathogenic variants in this gene have been associated with autosomal recessive short-rib thoracic dysplasia 6 with or without polydactyly. This variant has not been reported in individuals with NEK1-related disorders in the databases available for review. Loss of function is a known disease mechanism for NEK1 in this disorder (PMID:36779427). However, the functional consequence of this splicing variant cannot be predicted with certainty (PVS1_Moderate). and it is absent from control populations (PM2_Supporting). The clinical symptoms reported in the proband are highly specific for autosomal recessive short-rib thoracic dysplasia 6 with or without polydactyly, which has a limited genetic etiology (PP4). Based on the current evidence, this variant is classified as likely pathogenic for autosomal recessive short-rib thoracic dysplasia 6 with or without polydactyly.